The following is an entry in ClinVar:

NM_000273.3(GPR143):c.371A>G (p.Gln124Arg)

Gene: GPR143 (G protein-coupled receptor 143; minus strand). Cytogenetic location: Xp22.2.
Variant type: single nucleotide variant.
Coding change: c.371A>G on transcript NM_000273.3 (MANE Select); coding-DNA position 371, A replaced by G.
Protein change: p.Gln124Arg; replaces glutamine 124 with arginine.
Molecular consequence: missense variant.
Genome position (GRCh38, 1-based): chrX:9,759,416, T>C on the plus strand (A>G on the coding strand, the complement: GPR143 is on the minus strand). VCF-style: chrX-9759416-T-C. GRCh37 (hg19) VCF-style: chrX-9727456-T-C.
Other names: short protein forms Q124R.
Identifiers: ClinVar variation 98632 (VCV000098632.21), dbSNP rs62635032, ClinGen allele CA207128.

ClinVar aggregate classification (germline): Benign/Likely benign. Review status: criteria provided, multiple submitters, no conflicts (2 of 4 stars). 7 submissions from 7 submitters: Benign (2); Likely benign (4). 1 of the submissions does not count toward it. Last evaluated 2026-01-19.

Conditions:
GPR143-related disorder. Also called: GPR143-related condition.
Ocular albinism, type I (OA1). Also called: NETTLESHIP-FALLS TYPE OCULAR ALBINISM; Ocular Albinism type 1; X-linked recessive ocular albinism; Ocular albinism, type I, Nettleship-Falls type. Identifiers: Orphanet 54, MedGen C0342684, MONDO:0021019, OMIM 300500.

Allele frequency attached by ClinVar (database versions not stated): TOPMed 0.00024; gnomAD 0.00027 and 0.00029; gnomAD exomes 0.00037 and 0.00052; ExAC 0.00083.
gnomAD v4.1: 415 of 1,177,095 alleles (0.035%); highest among the groups gnomAD compares: Admixed American, 0.15%; 1 homozygote.

Submissions (7):

Labcorp Genetics (formerly Invitae), Labcorp
Classification: Benign. Last evaluated: 2026-01-19. Review status: criteria provided, single submitter. Criteria: Invitae Variant Classification Sherloc (09022015). Collection method: clinical testing. Allele origin: germline.

PreventionGenetics, part of Exact Sciences
Classification: Likely benign for GPR143-related condition. Last evaluated: 2025-08-27. Review status: criteria provided, single submitter. Criteria: ACMG Guidelines, 2015. Collection method: clinical testing. Allele origin: germline.
Comment: This variant is classified as likely benign based on ACMG/AMP sequence variant interpretation guidelines (Richards et al. 2015 PMID: 25741868, with internal and published modifications).

Blueprint Genetics
Classification: Likely benign. Last evaluated: 2024-09-10. Review status: criteria provided, single submitter. Criteria: ACMG Guidelines, 2015. Collection method: clinical testing. Allele origin: germline.

Mendelics
Classification: Likely benign for Ocular albinism, type I. Last evaluated: 2019-05-28. Review status: criteria provided, single submitter. Criteria: Mendelics Assertion Criteria 2017. Collection method: clinical testing. Allele origin: unknown.

Eurofins Ntd Llc (ga)
Classification: Benign. Last evaluated: 2017-03-17. Review status: criteria provided, single submitter. Criteria: EGL Classification Definitions 2015. Collection method: clinical testing. Allele origin: germline. Observed: 2 variant alleles, 1 heterozygote, 1 hemizygote.

Genetic Services Laboratory, University of Chicago
Classification: Likely benign. Last evaluated: 2016-07-28. Review status: criteria provided, single submitter. Criteria: ACMG Guidelines, 2015. Collection method: clinical testing. Allele origin: germline. Affected: no.

Retina International
No classification provided. Review status: no classification provided. Collection method: not provided. Allele origin: unknown. Not counted in ClinVar's aggregate classification.